The following is an entry in ClinVar:

ClinVar aggregate classification (germline): Pathogenic/Likely pathogenic. Review status: criteria provided, multiple submitters, no conflicts (2 of 4 stars). 11 submissions from 11 submitters: Pathogenic (7); Likely pathogenic (4). Last evaluated 2026-01-16.

Conditions:
Pituitary adenoma 5, multiple types. Identifiers: MedGen C4539685, MONDO:0054601, OMIM 617540.
Ear malformation. Also called: Abnormality of the ear; CUP EAR. Identifiers: MedGen C0266589, MONDO:0007500, OMIM 128600, HP:0000598.
Autosomal recessive nonsyndromic hearing loss 12. Also called: DEAFNESS, AUTOSOMAL RECESSIVE 12. Identifiers: Orphanet 90636, MedGen C1832394, MONDO:0011067, OMIM 601386.
Usher syndrome type 1D (USH1D). Also called: USHER SYNDROME, TYPE ID. Identifiers: Orphanet 231169, Orphanet 886, MedGen C1832845, MONDO:0010984, OMIM 601067.
CDH23-related disorder. Also called: CDH23-related condition; CDH23-related disorders.
Usher syndrome type 1 (USH1). Also called: RETINITIS PIGMENTOSA AND CONGENITAL DEAFNESS. Identifiers: Orphanet 231169, Orphanet 886, MedGen C1568247, MONDO:0010168, OMIM 276900.

Allele frequency attached by ClinVar (database versions not stated): gnomAD exomes 0.00001; ExAC 0.00002; gnomAD 0.00005 and 0.00006; TOPMed 0.00005.
gnomAD v4.1: 21 of 1,613,880 alleles (0.0013%); highest among the groups gnomAD compares: African/African-American, 0.011%; no homozygotes.

Submissions (11):

Natera, Inc.
Classification: Likely pathogenic for Usher syndrome type 1. Last evaluated: 2026-01-16. Review status: criteria provided, single submitter. Criteria: Natera Variant Classification Schema (03/2026). Collection method: clinical testing. Allele origin: germline.
Comment: The c.4562A>G variant in CDH23 is a missense variant predicted to cause substitution of asparagine to serine at amino acid 1521. This variant is rare in the general population with a frequency below the threshold expected for the associated phenotype(s). This variant has been observed in one or more individuals affected with the associated recessive disease, as either homozygous or compound heterozygous with a second variant (PMID: 35440622, 38374194, 39467922, 40744884). Computational prediction algorithms indicate this variant is likely to affect gene or protein function. Given the available evidence, this variant is classified as Likely Pathogenic.

3billion
Classification: Pathogenic for Autosomal recessive nonsyndromic hearing loss 12. Last evaluated: 2025-12-11. Review status: criteria provided, single submitter. Criteria: ACMG Guidelines, 2015. Collection method: clinical testing. Allele origin: germline. Affected: yes.
Comment: The variant is observed at an extremely low frequency in the gnomAD v4.1.0 dataset (total allele frequency: 0.001%). Predicted Consequence/Location: Missense variant In silico tool predictions suggest damaging effect of the variant on gene or gene product [REVEL: 0.83 (>=0.6, sensitivity 0.68 and specificity 0.92)]. The same nucleotide change resulting in the same amino acid change has been previously reported as pathogenic/likely pathogenic with strong evidence (ClinVar ID: VCV001180612 /3billion dataset). The variant has been observed in multiple (>3) similarly affected unrelated individuals (PMID: 26445815, 31850270, 32747562, 35440622). The variant has been reported to be in trans with a pathogenic variant as either compound heterozygous or homozygous in at least 4 similarly affected unrelated individuals (PMID: 26445815, 30622556, 31850270, 32747562, 35440622). The variant has been reported to co-segregate with the disease in at least one similarly affected relative/individual in the same family or similarly affected unrelated families (PMID: 32747562). Therefore, this variant is classified as Pathogenic according to the recommendation of ACMG/AMP guideline.

Labcorp Genetics (formerly Invitae), Labcorp
Classification: Pathogenic. Last evaluated: 2025-07-28. Review status: criteria provided, single submitter. Criteria: Invitae Variant Classification Sherloc (09022015). Collection method: clinical testing. Allele origin: germline.
Comment: This sequence change replaces asparagine, which is neutral and polar, with serine, which is neutral and polar, at codon 1521 of the CDH23 protein (p.Asn1521Ser). This variant is present in population databases (rs780987516, gnomAD 0.008%). This missense change has been observed in individuals with deafness (PMID: 26445815, 30622556, 31850270, 32747562, 35440622). It has also been observed to segregate with disease in related individuals. ClinVar contains an entry for this variant (Variation ID: 1180612). Invitae Evidence Modeling of protein sequence and biophysical properties (such as structural, functional, and spatial information, amino acid conservation, physicochemical variation, residue mobility, and thermodynamic stability) has been performed for this missense variant. However, the output from this modeling did not meet the statistical confidence thresholds required to predict the impact of this variant on CDH23 protein function. For these reasons, this variant has been classified as Pathogenic.

Variantyx, Inc.
Classification: Pathogenic for Autosomal recessive nonsyndromic hearing loss 12. Last evaluated: 2025-03-10. Review status: criteria provided, single submitter. Criteria: Variantyx Assertion Criteria 2022. Collection method: clinical testing. Allele origin: germline.
Comment: This is a nonsynonymous variant in the CDH23 gene (OMIM: 605516). Pathogenic variants in this gene have been associated with autosomal recessive hearing loss 12. This variant has been reported in the homozygous or compound heterozygous state in many unrelated affected individuals (PMID: 30622556 , 35440622, 35982127, 36597107) (PM3_Very_Strong). This variant has been observed to segregate with disease in at least 4 individuals from 4 families (PMID: 35440622) (PP1_Moderate). This variant has a 0.0107% maximum allele frequency in non-founder control populations (PM2_Supporting). Based on the current evidence, this variant is classified as pathogenic for autosomal recessive hearing loss 12.

Blueprint Genetics
Classification: Pathogenic for CDH23-related disorders. Last evaluated: 2024-11-20. Review status: criteria provided, single submitter. Criteria: ACMG Guidelines, 2015. Collection method: clinical testing. Allele origin: germline. Affected: yes. Observed: 5 variant alleles.

Baylor Genetics
Classification: Pathogenic for Pituitary adenoma 5, multiple types. Last evaluated: 2024-02-18. Review status: criteria provided, single submitter. Criteria: ACMG Guidelines, 2015. Collection method: clinical testing. Allele origin: unknown.

Fulgent Genetics
Classification: Pathogenic for Usher syndrome type 1D; Autosomal recessive nonsyndromic hearing loss 12; Pituitary adenoma 5, multiple types. Last evaluated: 2024-01-22. Review status: criteria provided, single submitter. Criteria: ACMG Guidelines, 2015. Collection method: clinical testing. Allele origin: germline.

GeneDx
Classification: Likely pathogenic. Last evaluated: 2023-09-21. Review status: criteria provided, single submitter. Criteria: GeneDx Variant Classification Process June 2021. Collection method: clinical testing. Allele origin: germline. Affected: yes.
Comment: In silico analysis supports that this missense variant has a deleterious effect on protein structure/function; This variant is associated with the following publications: (PMID: 26445815, 30622556, 32747562, 31850270, 37575969, 31985074, 35440622, 35982127)

Kariminejad - Najmabadi Pathology & Genetics Center
Classification: Likely pathogenic for Ear malformation. Last evaluated: 2021-07-10. Review status: criteria provided, single submitter. Criteria: ACMG Guidelines, 2015. Collection method: clinical testing. Allele origin: germline. Affected: yes.

King Laboratory, University of Washington
Classification: Likely pathogenic for Autosomal recessive nonsyndromic hearing loss 12. Last evaluated: 2020-08-01. Review status: criteria provided, single submitter. Criteria: Abu Rayyan A et al. (Proc Natl Acad Sci U S A 2020). Collection method: research. Allele origin: germline. Affected: yes.
Comment: CDH23 c.4562A>G, p.N1521S alters a residue of CDH23 completely conserved in all sequenced vertebrates. The variant is homozygous in 3 Palestinian children with profound pre-lingual hearing loss (Abu Rayyan 2020). The variant is absent from 1300 Palestinian controls and present in 5/280666 alleles on gnomAD, all heterozygotes.

Juno Genomics, Hangzhou Juno Genomics, Inc
Classification: Pathogenic for Pituitary adenoma 5, multiple types; Autosomal recessive nonsyndromic hearing loss 12; Usher syndrome type 1D. Review status: criteria provided, single submitter. Criteria: ACMG Guidelines, 2015. Collection method: clinical testing. Allele origin: germline. Affected: yes.
Comment: Absent from controls (or at extremely low frequency if recessive) in Genome Aggregation Database, Exome Sequencing Project, 1000 Genomes Project, or Exome Aggregation Consortium.;Multiple lines of computational evidence support a deleterious effect on the gene or gene product (conservation, evolutionary, splicing impact, etc).;For recessive disorders, detected in trans with a pathogenic variant.;Co-segregation with disease in multiple affected family members in a gene definitively known to cause the disease.

Literature cited by the submitters: PubMed 35440622 (cited by 3 submitters); PubMed 38374194 (cited by Natera, Inc.); PubMed 39467922 (cited by Natera, Inc.); PubMed 40744884 (cited by Natera, Inc.); PubMed 26445815 (cited by 3billion and Labcorp Genetics (formerly Invitae), Labcorp); PubMed 30622556 (cited by 3billion and Labcorp Genetics (formerly Invitae), Labcorp); PubMed 32747562 (cited by 3billion and Labcorp Genetics (formerly Invitae), Labcorp); PubMed 31850270 (cited by 3billion and Labcorp Genetics (formerly Invitae), Labcorp).

NM_022124.6(CDH23):c.4562A>G (p.Asn1521Ser)

Gene: CDH23 (cadherin related 23; plus strand). Cytogenetic location: 10q22.1.
Variant type: single nucleotide variant.
Coding change: c.4562A>G on transcript NM_022124.6 (MANE Select); coding-DNA position 4562, A replaced by G.
Protein change: p.Asn1521Ser; replaces asparagine 1521 with serine.
Molecular consequence: missense variant.
Genome position (GRCh38, 1-based): chr10:71,740,895, A>G. VCF-style: chr10-71740895-A-G. GRCh37 (hg19) VCF-style: chr10-73500652-A-G.
Other names: NM_022124.5:c.4562A>G; short protein forms N1521S.
Identifiers: ClinVar variation 1180612 (VCV001180612.18), dbSNP rs780987516, ClinGen allele CA5545092.
Genomic context (GRCh38, chr10:71,740,895, plus strand): 5'-ACCGAGGCACCCCTCCACGGAAGAAGGACCACATCCTGCAGGTGACCATCCTGGACATCA[A>G]TGACAACCCTCCAGTCATCGAGAGCCCCTTTGGATACAATGTCAGTGTGAATGAGGTGAG-3'
Protein context (NP_071407.4, residues 1511-1531): HILQVTILDI[Asn1521Ser]DNPPVIESPF